The following is an entry in ClinVar:

ClinVar aggregate classification (germline): Conflicting classifications of pathogenicity. Review status: criteria provided, conflicting classifications (1 of 4 stars). 10 submissions from 10 submitters: Pathogenic (4); Likely pathogenic (4); Uncertain significance (1). 1 of the submissions does not count toward it. Last evaluated 2026-02-09.

Conditions:
KCNH2-related disorder. Also called: KCNH2-related disorders; KCNH2-related condition.
Familial long QT syndrome (RWS). Also called: Congenital long QT syndrome; Romano-Ward syndrome; VENTRICULAR FIBRILLATION WITH PROLONGED QT INTERVAL. Identifiers: Orphanet 768, MedGen C1141890, MONDO:0019171.
Long QT syndrome (LQTS). Identifiers: MedGen C0023976, MeSH D008133, MONDO:0002442. Disease mechanism: loss of function. Inheritance: Various modes of inheritance.
Long QT syndrome 2 (LQT2). Identifiers: Orphanet 101016, Orphanet 768, MedGen C3150943, MONDO:0013367, OMIM 613688.

Allele frequency attached by ClinVar (database versions not stated): gnomAD exomes below 0.00001.

Submissions 1 to 7 of 10:

GeneDx
Classification: Likely pathogenic. Last evaluated: 2026-02-09. Review status: criteria provided, single submitter. Criteria: GeneDx Variant Classification Process June 2021. Collection method: clinical testing. Allele origin: germline. Affected: yes.
Comment: Identified in multiple unrelated patients with LQTS or sudden cardiac death referred for genetic testing at GeneDx and in the published literature (PMID: 35091851, 19716085, 19804510, 28532774); Not observed at significant frequency in large population cohorts (gnomAD); In silico analysis supports that this missense variant has a deleterious effect on protein structure/function; This variant is associated with the following publications: (PMID: 22581653, 26105569, 28532774, 19804510, 23631430, 23980196, 25417810, 25967940, 16166152, 23546015, 36525500, 35091851, 19716085, 32893267)

Labcorp Genetics (formerly Invitae), Labcorp
Classification: Pathogenic for Long QT syndrome. Last evaluated: 2025-12-12. Review status: criteria provided, single submitter. Criteria: Invitae Variant Classification Sherloc (09022015). Collection method: clinical testing. Allele origin: germline.
Comment: This sequence change replaces arginine, which is basic and polar, with tryptophan, which is neutral and slightly polar, at codon 531 of the KCNH2 protein (p.Arg531Trp). This variant is not present in population databases (gnomAD no frequency). This missense change has been observed in individuals with long QT syndrome (PMID: 19716085, 28532774; internal data). It has also been observed to segregate with disease in related individuals. ClinVar contains an entry for this variant (Variation ID: 67218). An algorithm developed to predict the effect of missense changes on protein structure and function (PolyPhen-2) suggests that this variant is likely to be disruptive. Experimental studies have shown that this missense change affects KCNH2 function (PMID: 23546015). For these reasons, this variant has been classified as Pathogenic.

PreventionGenetics, part of Exact Sciences
Classification: Pathogenic for KCNH2-related condition. Last evaluated: 2025-05-23. Review status: criteria provided, single submitter. Criteria: ACMG Guidelines, 2015. Collection method: clinical testing. Allele origin: germline.
Comment: The KCNH2 c.1591C>T variant is predicted to result in the amino acid substitution p.Arg531Trp. This variant has been reported in individuals with long QT syndrome (Supplemental Table 2, Kapplinger et al. 2009. PubMed ID: 19716085; Ebrahim et al. 2017. PubMed ID: 28532774; Supplemental Table 1, Lieve et al. 2013. PubMed ID: 23631430; Supplemental Table S4, Walsh et al. 2020. PubMed ID: 32893267; Rieder et al. 2022. PubMed ID: 35911527). It has also been reported in cases of sudden death (see for example Scheiper-Welling et al. 2022. PubMed ID: 35091851). This variant is located in the transmembrane S4 domain (Kapplinger et al. 2009. PubMed ID: 19716085). Functional studies using HEK293 and Xenopus laevis oocytes shows that the p.Arg531Trp variant results in altered Kv11.1 current activation and inactivation (McBride et al. 2013. PubMed ID: 23546015; Subbiah et al. 2005. PubMed ID: 16166152). An alternate missense change at the same amino acid position (p.Arg531Gln) has been reported in a long QT syndrome cohort (Splawski et al. 2000. PubMed ID: 10973849). This variant has not been reported in a large population database (gnomAD), indicating this variant is rare. This variant is interpreted as pathogenic.

Victorian Clinical Genetics Services, Murdoch Childrens Research Institute
Classification: Pathogenic for Long QT syndrome 2. Last evaluated: 2024-09-21. Review status: criteria provided, single submitter. Criteria: ACMG Guidelines, 2015. Collection method: clinical testing. Allele origin: germline. Inheritance: Autosomal dominant inheritance. Affected: yes.
Comment: Based on the classification scheme VCGS_Germline_v1.3.4, this variant is classified as Pathogenic. Following criteria are met: 0103 - Dominant negative and loss of function are known mechanisms of disease in this gene and are associated with Long QT syndrome 2 (MIM#613688). Gain of function is also a known mechanism associated with Short QT syndrome 1 (MIM#609620) (OMIM, PMID: 10753933, 21777565). (I) 0107 - This gene is associated with autosomal dominant disease. (I) 0112 - The condition associated with this gene has incomplete penetrance (PMID: 20301308). (I) 0200 - Variant is predicted to result in a missense amino acid change from arginine to tryptophan. (I) 0251 - This variant is heterozygous. (I) 0301 - Variant is absent from gnomAD (both v2 and v3). (SP) 0501 - Missense variant consistently predicted to be damaging by multiple in silico tools or highly conserved with a major amino acid change. (SP) 0602 - Variant is located in a hotspot region or cluster of pathogenic variants (DECIPHER). (SP) 0704 - Another missense variant comparable to the one identified in this case has limited previous evidence for pathogenicity. An alternative change to a glutamine has been reported in an individual with LQTS (PMID: 10973849). (SP) 0801 -This variant has strong previous evidence of pathogenicity in unrelated individuals. It has been reported in multiple individuals with LQTS (PMID: 19716085, 25967940, 28532774, 32893267, 35911527) and sudden death cases (PMID: 19804510; 35091851). In addition, it has been classified as likely pathogenic/pathogenic in ClinVar, including one VUS classification dated 2020. (SP) 0905 - No published segregation evidence has been identified for this variant. (I) 1002 - This variant has moderate functional evidence supporting abnormal protein function. Functional studies have demonstrated altered channel current activation and inactivation (PMID: 16166152, 23546015). (SP) 1208 - Inheritance information for this variant is not currently available in this individual. (I) Legend: (SP) - Supporting pathogenic, (I) - Information, (SB) - Supporting benign

All of Us Research Program, National Institutes of Health
Classification: Likely pathogenic for Long QT syndrome. Last evaluated: 2024-09-16. Review status: criteria provided, single submitter. Criteria: ACMG Guidelines, 2015. Collection method: clinical testing. Allele origin: germline. Inheritance: Autosomal dominant inheritance. Observed: 2 variant alleles, 2 heterozygotes.
Comment: This missense variant replaces arginine with tryptophan at codon 531 of the KCNH2 protein. This variant is found within the highly conserved transmembrane S4 domain (a.a. 521-541). Rare nontruncating variants in this region have been shown to be significantly overrepresented in individuals with long QT syndrome (PMID: 32893267). Functional studies have shown that this variant causes trafficking deficiency in cardiomyocytes differentiated from human induced pluripotent stem cells (hiPSCs) and impairs potassium channel function in several in vitro cell systems (PMID: 16166152, 23546015, 36525500). This variant has been reported in at least seven unrelated individuals affected with or suspected of having long QT syndrome (PMID: 19716085, 19804510, 23631430, 28532774, 32893267, Clinvar SCV000827271.5) and in another individual affected with sudden cardiac death (PMID: 35091851). This variant has not been identified in the general population by the Genome Aggregation Database (gnomAD). Based on the available evidence, this variant is classified as Likely Pathogenic.

This study involves interpretation of variants in research participants for the purpose of population health screening. Participant phenotype was not available at the time of variant classification. Additional details can be found in publication PMID: 35346344, PMCID: PMC8962531

Blueprint Genetics
Classification: Pathogenic for KCNH2-related disorders. Last evaluated: 2024-05-24. Review status: criteria provided, single submitter. Criteria: ACMG Guidelines, 2015. Collection method: clinical testing. Allele origin: germline. Affected: yes. Observed: 4 variant alleles.

Illumina Laboratory Services, Illumina
Classification: Likely pathogenic for Long QT syndrome 2. Last evaluated: 2023-05-16. Review status: criteria provided, single submitter. Criteria: ICSLVariantClassificationCriteria RUGD 01 April 2020. Collection method: clinical testing. Allele origin: unknown.
Comment: The KCNH2 c.1591C>T (p.Arg531Trp) missense variant has been identified in four individuals with a phenotype consistent with long QT syndrome (LQTS) and in two individuals with sudden cardiac death (PMID: 19716085; 19804510; 23631430; 28532774; 35091851). Additionally, a different amino acid substitution at the same codon (p.Arg531Gln) has been reported in an individual with LQTS (PMID: 10973849). This variant is not observed in version 2.1.1 or version 3.1.2 of the Genome Aggregation Database. The p.Arg531Trp variant is located in the transmembrane segment 4 domain that contains several highly conserved arginine residues that are important for normal Kv11.1 gating. A functional study conducted in human cell lines demonstrated that this variant dramatically altered Kv11.1 gating (PMID: 23546015). Based on the available evidence, the c.1591C>T (p.Arg531Trp) variant is classified as likely pathogenic for long QT syndrome.

NM_000238.4(KCNH2):c.1591C>T (p.Arg531Trp)

Gene: KCNH2 (potassium voltage-gated channel subfamily H member 2; minus strand). Cytogenetic location: 7q36.1.
Variant type: single nucleotide variant.
Coding change: c.1591C>T on transcript NM_000238.4 (MANE Select); coding-DNA position 1591, C replaced by T.
Protein change: p.Arg531Trp; replaces arginine 531 with tryptophan.
Molecular consequence: missense variant.
Genome position (GRCh38, 1-based): chr7:150,951,802, G>A on the plus strand (C>T on the coding strand, the complement: KCNH2 is on the minus strand). VCF-style: chr7-150951802-G-A. GRCh37 (hg19) VCF-style: chr7-150648890-G-A.
Other names: c.1591C>T (NM_000238.2, LRG_288t1); c.571C>T, p.Arg191Trp (NM_001204798.2, NM_172057.3); c.1303C>T, p.Arg435Trp (NM_001406753.1, NM_001406756.1); c.1414C>T, p.Arg472Trp (NM_001406755.1); c.1291C>T, p.Arg431Trp (NM_001406757.1); c.1591C>T, p.Arg531Trp (NM_172056.3); short protein forms R191W, R531W, R472W, R431W, R435W.
Identifiers: ClinVar variation 67218 (VCV000067218.25), dbSNP rs199472915, ClinGen allele CA004871.